The following is an entry in ClinVar:

NM_022051.3(EGLN1):c.*21C>G

Gene: EGLN1 (egl-9 family hypoxia inducible factor 1; minus strand). Cytogenetic location: 1q42.2.
Variant type: single nucleotide variant.
Coding change: c.*21C>G on transcript NM_022051.3 (MANE Select); 21 bases downstream of the stop codon, C replaced by G.
Molecular consequence: 3 prime UTR variant.
Genome position (GRCh38, 1-based): chr1:231,366,390, G>C on the plus strand (C>G on the coding strand, the complement: EGLN1 is on the minus strand). VCF-style: chr1-231366390-G-C. GRCh37 (hg19) VCF-style: chr1-231502136-G-C.
Other names: c.*82C>G (NM_001377260.1); c.*127C>G (NM_001377261.1).
Identifiers: ClinVar variation 296182 (VCV000296182.5), dbSNP rs199612416, ClinGen allele CA1452950.

ClinVar aggregate classification (germline): Likely benign (1 of 4 stars; one submission).

Conditions:
Erythrocytosis, familial, 3 (ECYT3). Identifiers: Orphanet 247511, MedGen C1853286, MONDO:0012353, OMIM 609820.

Allele frequency attached by ClinVar (database versions not stated): 1000 Genomes Project 0.00060; 1000 Genomes Project 30x 0.00062; ExAC 0.00069; gnomAD exomes 0.00074 and 0.00102; gnomAD 0.00111 and 0.00121; ESP Exome Variant Server 0.00123; TOPMed 0.00124.
gnomAD v4.1: 1,661 of 1,611,514 alleles (0.1%); highest among the groups gnomAD compares: Admixed American, 0.23%; 4 homozygotes.

Submission:

Illumina Laboratory Services, Illumina
Classification: Likely benign for Erythrocytosis, familial, 3. Last evaluated: 2017-04-27. Review status: criteria provided, single submitter. Criteria: ICSL Variant Classification Criteria 13 December 2019. Collection method: clinical testing. Allele origin: germline.
Comment: This variant was observed as part of a predisposition screen in an ostensibly healthy population. A literature search was performed for the gene, cDNA change, and amino acid change (where applicable). No publications were found based on this search. Allele frequency data from public databases allowed determination this variant is unlikely to cause disease. Therefore, this variant is classified as likely benign.